The following is an entry in ClinVar:

NM_015178.3(RHOBTB2):c.1257T>C (p.Ser419=)

Gene: RHOBTB2 (Rho related BTB domain containing 2; plus strand). Cytogenetic location: 8p21.3.
Variant type: single nucleotide variant.
Coding change: c.1257T>C on transcript NM_015178.3 (MANE Select); coding-DNA position 1257, T replaced by C.
Protein change: p.Ser419=; no amino-acid change (serine 419 retained).
Molecular consequence: synonymous variant.
Genome position (GRCh38, 1-based): chr8:23,007,502, T>C. VCF-style: chr8-23007502-T-C. GRCh37 (hg19) VCF-style: chr8-22865015-T-C.
Other names: c.1323T>C, p.Ser441= (NM_001160036.2); c.1278T>C, p.Ser426= (NM_001160037.2); c.1257T>C, p.Ser419= (NM_001374791.1).
Identifiers: ClinVar variation 4873123 (VCV004873123.2).

ClinVar aggregate classification (germline): Likely benign (1 of 4 stars; one submission).

gnomAD v4.1: 3 of 1,613,710 alleles (0.00019%); highest among the groups gnomAD compares: Non-Finnish European, 0.00017%; no homozygotes.

Submission:

CeGaT Center for Human Genetics Tuebingen
Classification: Likely benign. Last evaluated: 2026-05-01. Review status: criteria provided, single submitter. Criteria: CeGaT Center For Human Genetics Tuebingen Variant Classification Criteria Version 2. Collection method: clinical testing. Allele origin: germline. Affected: yes. Observed: 1 variant allele.
Comment: RHOBTB2: BP4, BP7